The following is an entry in ClinVar:

NM_020975.6(RET):c.2608-19G>C

Gene: RET (ret proto-oncogene; plus strand). Cytogenetic location: 10q11.21.
Variant type: single nucleotide variant.
Coding change: c.2608-19G>C on transcript NM_020975.6 (MANE Select); 19 bases into the intron before coding-DNA position 2608, G replaced by C.
Molecular consequence: intron variant.
Genome position (GRCh38, 1-based): chr10:43,120,062, G>C. VCF-style: chr10-43120062-G-C. GRCh37 (hg19) VCF-style: chr10-43615510-G-C.
Other names: c.2608-19G>C (NM_020630.7, NM_001406743.1, NM_001406744.1 and 2 more transcripts); c.2473-19G>C (NM_001406765.1, NM_001406763.1); c.2212-19G>C (NM_001406772.1, NM_001406769.1); c.2170-19G>C (NM_001406773.1, NM_001406771.1); c.1711-19G>C (NM_001406782.1, NM_001406780.1, NM_001406779.1 and 1 more transcripts); c.1576-19G>C (NM_001406787.1); c.1591-19G>C (NM_001406785.1); c.2479-19G>C (NM_001406764.1, NM_001406762.1, NM_001406761.1); and 10 more.
Identifiers: ClinVar variation 1614045 (VCV001614045.10), dbSNP rs773241624, ClinGen allele CA206266774.

ClinVar aggregate classification (germline): Likely benign. Review status: criteria provided, multiple submitters, no conflicts (2 of 4 stars). 2 submissions from 2 submitters: Likely benign (2). Last evaluated 2025-12-15.

Conditions:
Multiple endocrine neoplasia, type 2 (MEN2). Identifiers: Orphanet 653, MedGen C4048306, MONDO:0019003. Disease mechanism: gain of function.
Multiple endocrine neoplasia type 2A. Also called: Multiple Endocrine Neoplasia Type 2A (MEN2A); MULTIPLE ENDOCRINE NEOPLASIA, TYPE IIA; PTC SYNDROME; SIPPLE SYNDROME; MEN 2A; MEN-2A syndrome. Identifiers: Orphanet 247698, Orphanet 653, MedGen C0025268, MeSH D018813, MONDO:0008234, OMIM 171400.

Allele frequency attached by ClinVar (database versions not stated): gnomAD 0.00001.
gnomAD v4.1: 22 of 1,612,990 alleles (0.0014%); highest among the groups gnomAD compares: Non-Finnish European, 0.0016%; no homozygotes.

Submissions (2):

Labcorp Genetics (formerly Invitae), Labcorp
Classification: Likely benign for Multiple endocrine neoplasia, type 2. Last evaluated: 2025-12-15. Review status: criteria provided, single submitter. Criteria: Invitae Variant Classification Sherloc (09022015). Collection method: clinical testing. Allele origin: germline.

Myriad Genetics, Inc.
Classification: Likely benign for Multiple endocrine neoplasia type 2A. Last evaluated: 2025-02-27. Review status: criteria provided, single submitter. Criteria: Myriad Autosomal Dominant, Autosomal Recessive and X-Linked Classification Criteria (2023). Collection method: clinical testing. Allele origin: unknown.
Comment: This variant is considered likely benign. This variant is intronic and is not expected to impact mRNA splicing.